The following is an entry in ClinVar:

NM_152443.3(RDH12):c.659-12T>C

Genes: RDH12 (retinol dehydrogenase 12; plus strand), ZFYVE26 (zinc finger FYVE-type containing 26; minus strand), GPHN (gephyrin; plus strand). Cytogenetic location: 14q24.1.
Variant type: single nucleotide variant.
Coding change: c.659-12T>C on transcript NM_152443.3 (MANE Select); 12 bases into the intron before coding-DNA position 659, T replaced by C.
Molecular consequence: intron variant.
Genome position (GRCh38, 1-based): chr14:67,729,179, T>C. VCF-style: chr14-67729179-T-C. GRCh37 (hg19) VCF-style: chr14-68195896-T-C.
Identifiers: ClinVar variation 313840 (VCV000313840.15), dbSNP rs77686476, ClinGen allele CA7238784.

ClinVar aggregate classification (germline): Benign/Likely benign. Review status: criteria provided, multiple submitters, no conflicts (2 of 4 stars). 3 submissions from 3 submitters: Benign (1); Likely benign (2). Last evaluated 2026-01-31.

Conditions:
Leber congenital amaurosis 13 (LCA13). Identifiers: MedGen C2675186, MONDO:0012990, OMIM 612712.
Retinitis pigmentosa (RP). Identifiers: Orphanet 791, MedGen C0035334, MeSH D012174, MONDO:0019200, OMIM 268000. Inheritance: Autosomal dominant, autosomal recessive and X linked inheritance.

Allele frequency attached by ClinVar (database versions not stated): gnomAD exomes 0.00010 and 0.00029; ExAC 0.00032; gnomAD 0.00089 and 0.00091; TOPMed 0.00107; ESP Exome Variant Server 0.00123; 1000 Genomes Project 0.00200; 1000 Genomes Project 30x 0.00234.
gnomAD v4.1: 283 of 1,612,904 alleles (0.018%); highest among the groups gnomAD compares: African/African-American, 0.34%; no homozygotes.

Submissions (3):

Labcorp Genetics (formerly Invitae), Labcorp
Classification: Benign for Leber congenital amaurosis 13. Last evaluated: 2026-01-31. Review status: criteria provided, single submitter. Criteria: Invitae Variant Classification Sherloc (09022015). Collection method: clinical testing. Allele origin: germline.

Blueprint Genetics
Classification: Likely benign. Last evaluated: 2024-06-17. Review status: criteria provided, single submitter. Criteria: ACMG Guidelines, 2015. Collection method: clinical testing. Allele origin: germline.

Illumina Laboratory Services, Illumina
Classification: Likely benign for Retinitis pigmentosa. Last evaluated: 2018-01-12. Review status: criteria provided, single submitter. Criteria: ICSL Variant Classification Criteria 13 December 2019. Collection method: clinical testing. Allele origin: germline.
Comment: This variant was observed in the ICSL laboratory as part of a predisposition screen in an ostensibly healthy population. It had not been previously curated by ICSL or reported in the Human Gene Mutation Database (HGMD: prior to June 1st, 2018), and was therefore a candidate for classification through an automated scoring system. Utilizing variant allele frequency, disease prevalence and penetrance estimates, and inheritance mode, an automated score was calculated to assess if this variant is too frequent to cause the disease. Based on the score and internal cut-off values, a variant classified as likely benign is not then subjected to further curation. The score for this variant resulted in a classification of likely benign for this disease.